The following is an entry in ClinVar:

NM_001371623.1(TCOF1):c.4021A>C (p.Lys1341Gln)

Gene: TCOF1 (treacle ribosome biogenesis factor 1; plus strand). Cytogenetic location: 5q32.
Variant type: single nucleotide variant.
Coding change: c.4021A>C on transcript NM_001371623.1 (MANE Select); coding-DNA position 4021, A replaced by C.
Protein change: p.Lys1341Gln; replaces lysine 1341 with glutamine.
Molecular consequence: missense variant.
Genome position (GRCh38, 1-based): chr5:150,396,518, A>C. VCF-style: chr5-150396518-A-C. GRCh37 (hg19) VCF-style: chr5-149776081-A-C.
Other names: c.3787A>C, p.Lys1263Gln (NM_000356.4); c.4018A>C, p.Lys1340Gln (NM_001135243.2); c.3907A>C, p.Lys1303Gln (NM_001135244.2); c.3790A>C, p.Lys1264Gln (NM_001135245.2); c.3904A>C, p.Lys1302Gln (NM_001195141.2); c.4018A>C (NM_001135243.1); short protein forms K1341Q, K1264Q, K1340Q, K1263Q, K1302Q, K1303Q.
Identifiers: ClinVar variation 3002697 (VCV003002697.4), dbSNP rs779059972, ClinGen allele CA361742192.

ClinVar aggregate classification (germline): Uncertain significance. Review status: criteria provided, multiple submitters, no conflicts (2 of 4 stars). 2 submissions from 2 submitters: Uncertain significance (2). Last evaluated 2024-05-08.

Conditions:
Inborn genetic diseases. Identifiers: MedGen C0950123, MeSH D030342.
Treacher Collins syndrome 1 (TCS1). Also called: TCOF1-Related Treacher Collins Syndrome. Identifiers: Orphanet 861, MedGen CN315775, MONDO:0007944, OMIM 154500.

Submissions (2):

Ambry Genetics
Classification: Uncertain significance for Inborn genetic diseases. Last evaluated: 2024-05-08. Review status: criteria provided, single submitter. Criteria: Ambry Variant Classification Scheme 2023. Collection method: clinical testing. Allele origin: germline.

Labcorp Genetics (formerly Invitae), Labcorp
Classification: Uncertain significance for Treacher Collins syndrome 1. Last evaluated: 2022-11-06. Review status: criteria provided, single submitter. Criteria: Invitae Variant Classification Sherloc (09022015). Collection method: clinical testing. Allele origin: germline.
Comment: This variant is not present in population databases (gnomAD no frequency). In summary, the available evidence is currently insufficient to determine the role of this variant in disease. Therefore, it has been classified as a Variant of Uncertain Significance. Algorithms developed to predict the effect of missense changes on protein structure and function are either unavailable or do not agree on the potential impact of this missense change (SIFT: "Deleterious"; PolyPhen-2: "Probably Damaging"; Align-GVGD: "Class C0"). This variant has not been reported in the literature in individuals affected with TCOF1-related conditions. This sequence change replaces lysine, which is basic and polar, with glutamine, which is neutral and polar, at codon 1340 of the TCOF1 protein (p.Lys1340Gln).